The following is an entry in ClinVar:

ClinVar aggregate classification (germline): Uncertain significance (1 of 4 stars; one submission).

Submission:

Labcorp Genetics (formerly Invitae), Labcorp
Classification: Uncertain significance. Last evaluated: 2025-06-25. Review status: criteria provided, single submitter. Criteria: Invitae Variant Classification Sherloc (09022015). Collection method: clinical testing. Allele origin: germline.
Comment: This sequence change replaces cysteine, which is neutral and slightly polar, with serine, which is neutral and polar, at codon 463 of the TARS2 protein (p.Cys463Ser). This variant is not present in population databases (gnomAD no frequency). This variant has not been reported in the literature in individuals affected with TARS2-related conditions. Invitae Evidence Modeling of protein sequence and biophysical properties (such as structural, functional, and spatial information, amino acid conservation, physicochemical variation, residue mobility, and thermodynamic stability) indicates that this missense variant is expected to disrupt TARS2 protein function with a positive predictive value of 80%. In summary, the available evidence is currently insufficient to determine the role of this variant in disease. Therefore, it has been classified as a Variant of Uncertain Significance.

NM_025150.5(TARS2):c.1388G>C (p.Cys463Ser)

Gene: TARS2 (threonyl-tRNA synthetase 2, mitochondrial; plus strand). Cytogenetic location: 1q21.2.
Variant type: single nucleotide variant.
Coding change: c.1388G>C on transcript NM_025150.5 (MANE Select); coding-DNA position 1388, G replaced by C.
Protein change: p.Cys463Ser; replaces cysteine 463 with serine.
Molecular consequence: missense variant. On other transcripts: non-coding transcript variant (2).
Genome position (GRCh38, 1-based): chr1:150,498,651, G>C. VCF-style: chr1-150498651-G-C. GRCh37 (hg19) VCF-style: chr1-150471127-G-C.
Other names: c.1142G>C, p.Cys381Ser (NM_001271895.2); c.998G>C, p.Cys333Ser (NM_001271896.2); short protein forms C381S, C333S, C463S.
Identifiers: ClinVar variation 4771771 (VCV004771771.1).